The following is an entry in ClinVar:

NM_002693.3(POLG):c.1098G>A (p.Gly366=)

Gene: POLG (DNA polymerase gamma, catalytic subunit; minus strand). Cytogenetic location: 15q26.1.
Variant type: single nucleotide variant.
Coding change: c.1098G>A on transcript NM_002693.3 (MANE Select); coding-DNA position 1098, G replaced by A.
Protein change: p.Gly366=; no amino-acid change (glycine 366 retained).
Molecular consequence: synonymous variant.
Genome position (GRCh38, 1-based): chr15:89,328,757, C>T on the plus strand (G>A on the coding strand, the complement: POLG is on the minus strand). VCF-style: chr15-89328757-C-T. GRCh37 (hg19) VCF-style: chr15-89871988-C-T.
Other names: c.1098G>A, p.Gly366= (NM_001126131.2).
Identifiers: ClinVar variation 508741 (VCV000508741.9), dbSNP rs1195508608, ClinGen allele CA492289809.
Genomic context (GRCh38, chr15:89,328,757, plus strand): 5'-ACGAATGTCCTTCATGGTGCCCTTCACAAACAGTTCTCGAGGCTCCTTCTCTAAGGGAGG[C>T]CCCCCTACATAAAGTCTGTGCACCTCTGCCAGACTGTTGACACTGCTGATGTCCAGCCAG-3'
Protein context (NP_002684.1, residues 356-376): LAEVHRLYVG[Gly366=]PPLEKEPREL

ClinVar aggregate classification (germline): Likely benign. Review status: criteria provided, multiple submitters, no conflicts (2 of 4 stars). 2 submissions from 2 submitters: Likely benign (2). Last evaluated 2026-01-21.

Conditions:
Progressive sclerosing poliodystrophy (MTDPS4A). Also called: Alpers-Huttenlocher Syndrome (AHS); ALPERS PROGRESSIVE INFANTILE POLIODYSTROPHY; Mitochondrial DNA Depletion Syndrome 4A; Mitochondrial DNA depletion syndrome 4A (Alpers type); NEURONAL DEGENERATION OF CHILDHOOD WITH LIVER DISEASE, PROGRESSIVE; Alpers Syndrome. Identifiers: Orphanet 726, MedGen C0205710, MONDO:0008758, OMIM 203700.

Allele frequency attached by ClinVar (database versions not stated): TOPMed below 0.00001; gnomAD 0.00001; gnomAD exomes below 0.00001.
gnomAD v4.1: 4 of 1,613,846 alleles (0.00025%); highest among the groups gnomAD compares: Admixed American, 0.0017%; no homozygotes.

Submissions (2):

Labcorp Genetics (formerly Invitae), Labcorp
Classification: Likely benign for Progressive sclerosing poliodystrophy. Last evaluated: 2026-01-21. Review status: criteria provided, single submitter. Criteria: Invitae Variant Classification Sherloc (09022015). Collection method: clinical testing. Allele origin: germline.

GeneDx
Classification: Likely benign. Last evaluated: 2017-04-04. Review status: criteria provided, single submitter. Criteria: GeneDx Variant Classification (06012015). Collection method: clinical testing. Allele origin: germline. Affected: yes.
Comment: This variant is considered likely benign or benign based on one or more of the following criteria: it is a conservative change, it occurs at a poorly conserved position in the protein, it is predicted to be benign by multiple in silico algorithms, and/or has population frequency not consistent with disease.